The following is an entry in ClinVar:

ClinVar aggregate classification (germline): Uncertain significance. Review status: criteria provided, multiple submitters, no conflicts (2 of 4 stars). 2 submissions from 2 submitters: Uncertain significance (2). Last evaluated 2025-04-08.

Conditions:
Hereditary cancer-predisposing syndrome. Also called: Neoplastic Syndromes, Hereditary; Hereditary Cancer Syndrome; Hereditary neoplastic syndrome; Tumor predisposition. Identifiers: Orphanet 140162, MedGen C0027672, MeSH D009386, MONDO:0015356.
Hereditary diffuse gastric adenocarcinoma (HDGC). Also called: DIFFUSE GASTRIC AND LOBULAR BREAST CANCER SYNDROME. Identifiers: Orphanet 26106, MedGen C1708349, MONDO:0007648, OMIM 137215.

Submissions (2):

Ambry Genetics
Classification: Uncertain significance for Hereditary cancer-predisposing syndrome. Last evaluated: 2025-04-08. Review status: criteria provided, single submitter. Criteria: Ambry Variant Classification Scheme 2023. Collection method: clinical testing. Allele origin: germline.
Comment: The c.363_364delCCinsAG variant, located in coding exon 3 of the CDH1 gene, results from an in-frame deletion of CC and insertion of AG at nucleotide positions 363 to 364. This results in the substitution of the histidine residues at 121 and 122 for glutamine and aspartic acid residues. This variant was reported in 0/60,466 breast cancer cases and in 3/53,461 controls (Dorling et al. N Engl J Med. 2021 02;384:428-439). This amino acid region is not well conserved in available vertebrate species. In addition, the in silico prediction for this alteration is inconclusive (Choi Y et al. PLoS ONE. 2012; 7(10):e46688). Since supporting evidence is limited at this time, the clinical significance of this alteration remains unclear.

Labcorp Genetics (formerly Invitae), Labcorp
Classification: Uncertain significance for Hereditary diffuse gastric adenocarcinoma. Last evaluated: 2023-11-08. Review status: criteria provided, single submitter. Criteria: Invitae Variant Classification Sherloc (09022015). Collection method: clinical testing. Allele origin: germline.
Comment: This variant, c.363_364delinsAG, is a complex sequence change that results in the deletion of 2 and insertion of 2 amino acid(s) in the CDH1 protein (p.His121_His122delinsGlnAsp). Information on the frequency of this variant in the gnomAD database is not available, as this variant may be reported differently in the database. This variant has not been reported in the literature in individuals affected with CDH1-related conditions. ClinVar contains an entry for this variant (Variation ID: 645508). Experimental studies and prediction algorithms are not available or were not evaluated, and the functional significance of this variant is currently unknown. In summary, the available evidence is currently insufficient to determine the role of this variant in disease. Therefore, it has been classified as a Variant of Uncertain Significance.

Literature cited by the submitters: PubMed 33471991 (cited by Ambry Genetics).

NM_004360.5(CDH1):c.363_364delinsAG (p.His121_His122delinsGlnAsp)

Gene: CDH1 (cadherin 1; plus strand). Cytogenetic location: 16q22.1.
Variant type: Indel.
Coding change: c.363_364delinsAG on transcript NM_004360.5 (MANE Select); coding-DNA positions 363 to 364, CC replaced by AG.
Protein change: p.His121_His122delinsGlnAsp.
Molecular consequence: missense variant. On other transcripts: 5 prime UTR variant (2).
Genome position (GRCh38, 1-based): chr16:68,801,869-68,801,870, CC replaced by AG. VCF-style: chr16-68801869-CC-AG. GRCh37 (hg19) VCF-style: chr16-68835772-CC-AG.
Other names: c.363_364delCCinsAG (LRG_301t1); c.363_364delinsAG, p.His121_His122delinsGlnAsp (NM_001317184.2); c.-1253_-1252delinsAG (NM_001317185.2); c.-1457_-1456delinsAG (NM_001317186.2).
Identifiers: ClinVar variation 645508 (VCV000645508.10), dbSNP rs1597884981, ClinGen allele CA915949295.